The following is an entry in ClinVar:

ClinVar aggregate classification (germline): Uncertain significance (1 of 4 stars; one submission).

Conditions:
Holoprosencephaly sequence (HPE). Also called: Holoprosencephaly. Identifiers: Orphanet 2162, MedGen C0079541, MONDO:0016296, HP:0001360.

Submission:

Labcorp Genetics (formerly Invitae), Labcorp
Classification: Uncertain significance for Holoprosencephaly sequence. Last evaluated: 2024-03-28. Review status: criteria provided, single submitter. Criteria: Invitae Variant Classification Sherloc (09022015). Collection method: clinical testing. Allele origin: germline.
Comment: This sequence change replaces proline, which is neutral and non-polar, with glutamine, which is neutral and polar, at codon 321 of the FOXH1 protein (p.Pro321Gln). This variant is not present in population databases (gnomAD no frequency). This variant has not been reported in the literature in individuals affected with FOXH1-related conditions. Advanced modeling of protein sequence and biophysical properties (such as structural, functional, and spatial information, amino acid conservation, physicochemical variation, residue mobility, and thermodynamic stability) performed at Invitae indicates that this missense variant is not expected to disrupt FOXH1 protein function with a negative predictive value of 80%. In summary, the available evidence is currently insufficient to determine the role of this variant in disease. Therefore, it has been classified as a Variant of Uncertain Significance.

NM_003923.3(FOXH1):c.962C>A (p.Pro321Gln)

Gene: FOXH1 (forkhead box H1; minus strand). Cytogenetic location: 8q24.3.
Variant type: single nucleotide variant.
Coding change: c.962C>A on transcript NM_003923.3 (MANE Select); coding-DNA position 962, C replaced by A.
Protein change: p.Pro321Gln; replaces proline 321 with glutamine.
Molecular consequence: missense variant.
Genome position (GRCh38, 1-based): chr8:144,474,374, G>T on the plus strand (C>A on the coding strand, the complement: FOXH1 is on the minus strand). VCF-style: chr8-144474374-G-T. GRCh37 (hg19) VCF-style: chr8-145699757-G-T.
Other names: short protein forms P321Q.
Identifiers: ClinVar variation 3730576 (VCV003730576.2).